The following is an entry in ClinVar:

NM_000181.4(GUSB):c.493C>T (p.Arg165Trp)

Gene: GUSB (glucuronidase beta; minus strand). Cytogenetic location: 7q11.21.
Variant type: single nucleotide variant.
Coding change: c.493C>T on transcript NM_000181.4 (MANE Select); coding-DNA position 493, C replaced by T.
Protein change: p.Arg165Trp; replaces arginine 165 with tryptophan.
Molecular consequence: missense variant. On other transcripts: non-coding transcript variant (1), intron variant (3).
Genome position (GRCh38, 1-based): chr7:65,979,815, G>A on the plus strand (C>T on the coding strand, the complement: GUSB is on the minus strand). VCF-style: chr7-65979815-G-A. GRCh37 (hg19) VCF-style: chr7-65444802-G-A.
Other names: c.493C>T (NM_000181.3); c.67+409C>T (NM_001293105.2); c.12-274C>T (NM_001293104.2); c.474+19C>T (NM_001284290.2); short protein forms R165W.
Identifiers: ClinVar variation 1365766 (VCV001365766.4), dbSNP rs771137253, ClinGen allele CA4276626.

ClinVar aggregate classification (germline): Uncertain significance. Review status: criteria provided, multiple submitters, no conflicts (2 of 4 stars). 2 submissions from 2 submitters: Uncertain significance (2). Last evaluated 2025-06-16.

Conditions:
Mucopolysaccharidosis type 7 (MPS7). Also called: BETA-GLUCURONIDASE DEFICIENCY; SLY SYNDROME; GUSB DEFICIENCY; MPS VII. Identifiers: Orphanet 584, MedGen C0085132, MONDO:0009662, OMIM 253220.
Inborn genetic diseases. Identifiers: MedGen C0950123, MeSH D030342.

Allele frequency attached by ClinVar (database versions not stated): gnomAD 0.00001; TOPMed 0.00002.

Submissions (2):

Ambry Genetics
Classification: Uncertain significance for Inborn genetic diseases. Last evaluated: 2025-06-16. Review status: criteria provided, single submitter. Criteria: Ambry Variant Classification Scheme 2023. Collection method: clinical testing. Allele origin: germline.

Labcorp Genetics (formerly Invitae), Labcorp
Classification: Uncertain significance for Mucopolysaccharidosis type 7. Last evaluated: 2022-10-25. Review status: criteria provided, single submitter. Criteria: Invitae Variant Classification Sherloc (09022015). Collection method: clinical testing. Allele origin: germline.
Comment: This sequence change replaces arginine, which is basic and polar, with tryptophan, which is neutral and slightly polar, at codon 165 of the GUSB protein (p.Arg165Trp). This variant is present in population databases (rs771137253, gnomAD 0.01%). This variant has not been reported in the literature in individuals affected with GUSB-related conditions. ClinVar contains an entry for this variant (Variation ID: 1365766). Advanced modeling of protein sequence and biophysical properties (such as structural, functional, and spatial information, amino acid conservation, physicochemical variation, residue mobility, and thermodynamic stability) performed at Invitae indicates that this missense variant is not expected to disrupt GUSB protein function. In summary, the available evidence is currently insufficient to determine the role of this variant in disease. Therefore, it has been classified as a Variant of Uncertain Significance.